The following is an entry in ClinVar:

ClinVar aggregate classification (germline): Uncertain significance. Review status: criteria provided, multiple submitters, no conflicts (2 of 4 stars). 2 submissions from 2 submitters: Uncertain significance (2). Last evaluated 2026-01-05.

Conditions:
Immunodeficiency 31B. Also called: STAT1 DEFICIENCY, AUTOSOMAL RECESSIVE; IMMUNODEFICIENCY 31B, MYCOBACTERIAL AND VIRAL INFECTIONS, AUTOSOMAL RECESSIVE. Identifiers: Orphanet 391311, MedGen C3151088, MONDO:0013427, OMIM 613796.
Autoimmune enteropathy and endocrinopathy - susceptibility to chronic infections syndrome. Also called: Immunodeficiency 31C, autosomal dominant; Immunodeficiency 31C. Identifiers: Orphanet 391487, MedGen C3279990, MONDO:0013599, OMIM 614162.
Mendelian susceptibility to mycobacterial diseases due to partial STAT1 deficiency. Also called: IMMUNODEFICIENCY 31A, MYCOBACTERIOSIS, AUTOSOMAL DOMINANT; STAT1 DEFICIENCY, AUTOSOMAL DOMINANT; Immunodeficiency 31a. Identifiers: Orphanet 319595, MedGen C4013950, MONDO:0013956, OMIM 614892.

Allele frequency attached by ClinVar (database versions not stated): ExAC 0.00006; ESP Exome Variant Server 0.00008; gnomAD exomes 0.00006; TOPMed 0.00010; gnomAD 0.00013 and 0.00014.
gnomAD v4.1: 132 of 1,614,018 alleles (0.0082%); highest among the groups gnomAD compares: Admixed American, 0.035%; no homozygotes.

Submissions (2):

Labcorp Genetics (formerly Invitae), Labcorp
Classification: Uncertain significance for Mendelian susceptibility to mycobacterial diseases due to partial STAT1 deficiency; Immunodeficiency 31B; Autoimmune enteropathy and endocrinopathy - susceptibility to chronic infections syndrome. Last evaluated: 2026-01-05. Review status: criteria provided, single submitter. Criteria: Invitae Variant Classification Sherloc (09022015). Collection method: clinical testing. Allele origin: germline.
Comment: This sequence change replaces valine, which is neutral and non-polar, with isoleucine, which is neutral and non-polar, at codon 455 of the STAT1 protein (p.Val455Ile). This variant is present in population databases (rs371982540, gnomAD 0.02%). This variant has not been reported in the literature in individuals affected with STAT1-related conditions. ClinVar contains an entry for this variant (Variation ID: 857074). An algorithm developed to predict the effect of missense changes on protein structure and function outputs the following: PolyPhen-2: "Benign". The isoleucine amino acid residue is found in multiple mammalian species, which suggests that this missense change does not adversely affect protein function. In summary, the available evidence is currently insufficient to determine the role of this variant in disease. Therefore, it has been classified as a Variant of Uncertain Significance.

Revvity Omics, Revvity
Classification: Uncertain significance. Last evaluated: 2021-05-14. Review status: criteria provided, single submitter. Criteria: ACMG Guidelines, 2015. Collection method: clinical testing. Allele origin: germline.

NM_007315.4(STAT1):c.1363G>A (p.Val455Ile)

Gene: STAT1 (signal transducer and activator of transcription 1; minus strand). Cytogenetic location: 2q32.2.
Variant type: single nucleotide variant.
Coding change: c.1363G>A on transcript NM_007315.4 (MANE Select); coding-DNA position 1363, G replaced by A.
Protein change: p.Val455Ile; replaces valine 455 with isoleucine.
Molecular consequence: missense variant.
Genome position (GRCh38, 1-based): chr2:190,983,725, C>T on the plus strand (G>A on the coding strand, the complement: STAT1 is on the minus strand). VCF-style: chr2-190983725-C-T. GRCh37 (hg19) VCF-style: chr2-191848451-C-T.
Other names: c.1303G>A, p.Val435Ile (NM_001384880.1); c.1369G>A, p.Val457Ile (NM_001384881.1, NM_001384884.1); c.1357G>A, p.Val453Ile (NM_001384882.1); c.1264G>A, p.Val422Ile (NM_001384883.1); c.1204G>A, p.Val402Ile (NM_001384885.1); c.1363G>A, p.Val455Ile (NM_001384886.1, NM_001384889.1, NM_139266.3); c.1270G>A, p.Val424Ile (NM_001384887.1); c.1333G>A, p.Val445Ile (NM_001384888.1); and 2 more; short protein forms V455I, V402I, V422I, V424I, V425I, V435I, V445I, V453I.
Identifiers: ClinVar variation 857074 (VCV000857074.8), dbSNP rs371982540, ClinGen allele CA2029943.